The following is an entry in ClinVar:

ClinVar aggregate classification (germline): Likely benign (1 of 4 stars; one submission).

Conditions:
CYP7A1-related disorder. Also called: CYP7A1-related condition.

gnomAD v4.1: 17 of 1,599,188 alleles (0.0011%); highest among the groups gnomAD compares: East Asian, 0.0022%; no homozygotes.

Submission:

PreventionGenetics, part of Exact Sciences
Classification: Likely benign for CYP7A1-related condition. Last evaluated: 2026-08-17. Review status: criteria provided, single submitter. Criteria: ACMG Guidelines, 2015. Collection method: clinical testing. Allele origin: germline.
Comment: This variant is classified as likely benign based on ACMG/AMP sequence variant interpretation guidelines (Richards et al. 2015 PMID: 25741868, with internal and published modifications).

NM_000780.4(CYP7A1):c.348G>A (p.Pro116=)

Gene: CYP7A1 (cytochrome P450 family 7 subfamily A member 1; minus strand). Cytogenetic location: 8q12.1.
Variant type: single nucleotide variant.
Coding change: c.348G>A on transcript NM_000780.4 (MANE Select); coding-DNA position 348, G replaced by A.
Protein change: p.Pro116=; no amino-acid change (proline 116 retained).
Molecular consequence: synonymous variant.
Genome position (GRCh38, 1-based): chr8:58,497,164, C>T on the plus strand (G>A on the coding strand, the complement: CYP7A1 is on the minus strand). VCF-style: chr8-58497164-C-T. GRCh37 (hg19) VCF-style: chr8-59409723-C-T.
Identifiers: ClinVar variation 4988013 (VCV004988013.1).